The following is an entry in ClinVar:

NM_001303.4(COX10):c.1213C>G (p.Arg405Gly)

Gene: COX10 (cytochrome c oxidase assembly factor heme A:farnesyltransferase COX10; plus strand). Cytogenetic location: 17p12.
Variant type: single nucleotide variant.
Coding change: c.1213C>G on transcript NM_001303.4 (MANE Select); coding-DNA position 1213, C replaced by G.
Protein change: p.Arg405Gly; replaces arginine 405 with glycine.
Molecular consequence: missense variant.
Genome position (GRCh38, 1-based): chr17:14,207,094, C>G. VCF-style: chr17-14207094-C-G. GRCh37 (hg19) VCF-style: chr17-14110411-C-G.
Other names: short protein forms R405G.
Identifiers: ClinVar variation 4886016 (VCV004886016.2).

ClinVar aggregate classification (germline): Uncertain significance (1 of 4 stars; one submission).

gnomAD v4.1: 6 of 1,613,996 alleles (0.00037%); highest among the groups gnomAD compares: Non-Finnish European, 0.00051%; no homozygotes.

Submission:

Dasa
Classification: Uncertain significance. Last evaluated: 2025-11-26. Review status: criteria provided, single submitter. Criteria: DASA Assertion Criteria. Collection method: clinical testing. Allele origin: germline.
Comment: NM_001303.4(COX10):c.1213C>G (p.Arg405Gly) is a missense variant that results in the substitution of arginine with glycine. This variant is rare in population databases. The currently available literature and clinical evidence are not sufficient to establish a definitive association between this variant and the reported condition. Therefore, this variant is classified as a variant of uncertain significance.